The following is an entry in ClinVar:

NM_000540.3(RYR1):c.9093C>T (p.Ala3031=)

Gene: RYR1 (ryanodine receptor 1; plus strand). Cytogenetic location: 19q13.2.
Variant type: single nucleotide variant.
Coding change: c.9093C>T on transcript NM_000540.3 (MANE Select); coding-DNA position 9093, C replaced by T.
Protein change: p.Ala3031=; no amino-acid change (alanine 3031 retained).
Molecular consequence: synonymous variant.
Genome position (GRCh38, 1-based): chr19:38,510,752, C>T. VCF-style: chr19-38510752-C-T. GRCh37 (hg19) VCF-style: chr19-39001392-C-T.
Other names: NM_000540.3(RYR1):c.9093C>T; p.Ala3031=; c.9093C>T, p.Ala3031= (NM_001042723.2).
Identifiers: ClinVar variation 329085 (VCV000329085.47), dbSNP rs140197877, ClinGen allele CA073137.

ClinVar aggregate classification (germline): Likely benign. Review status: reviewed by expert panel (3 of 4 stars). 7 submissions from 7 submitters: Likely benign (1). 6 of the submissions do not count toward it. Last evaluated 2024-08-07.

Conditions:
RYR1-related myopathy. Identifiers: Orphanet 98742, MedGen CN305348, MONDO:0100150.
RYR1-related disorder. Also called: RYR1-related condition; RYR1-related disorders. Identifiers: MedGen CN239331.
Inborn genetic diseases. Identifiers: MedGen C0950123, MeSH D030342.
Malignant hyperthermia, susceptibility to, 1 (MHS1). Also called: Malignant hyperthermia suceptibility 1; RYR1-Related Malignant Hyperthermia Susceptibility; Anesthesia related hyperthermia; Malignant hyperpyrexia; Fulminating hyperpyrexia; Pharmacogenic myopathy. Identifiers: Orphanet 423, MedGen C2930980, MONDO:0007783, OMIM 145600.

Allele frequency attached by ClinVar (database versions not stated): gnomAD exomes 0.00005 and 0.00011; ESP Exome Variant Server 0.00008; gnomAD 0.00008; TOPMed 0.00008; ExAC 0.00012.
gnomAD v4.1: 92 of 1,614,084 alleles (0.0057%); highest among the groups gnomAD compares: Middle Eastern, 0.049%; no homozygotes.

Submissions (7):

ClinGen Congenital Myopathies Variant Curation Expert Panel, ClinGen
Classification: Likely benign for RYR1-related myopathy. Last evaluated: 2024-08-07. Review status: reviewed by expert panel. Criteria: ClinGen CongenMyopathy ACMG Specifications RYR1 AR V1.0.0. Collection method: curation. Allele origin: germline. Inheritance: Autosomal unknown.
Comment: The c.9093C>T (p.Ala3031=) variant (NM_000540.3(RYR1):c.9093C>T (p.Ala3031=)) in RYR1 is a synonymous (silent) variant that is not predicted by Splice AI to impact splicing. In addition, it occurs at a nucleotide that is not conserved as shown by UCSC genome browser (BP4, BP7). The filtering allele frequency (the lower threshold of the 95% CI of 3/6084) of the c.9093C>T variant in RYR1 is 0.0001414 for Middle Eastern chromosomes by gnomAD v4.1, which is higher than the ClinGen Congenital Myopathies VCEP threshold (≥0.0000006) for BS1, and therefore meets this criterion (BS1). In summary, this variant meets the criteria to be classified as likely benign for RYR1-related myopathy, based on the ACMG/AMP criteria applied, as specified by the ClinGen Congenital Myopathies VCEP: BS1, BP4, BP7 (Congenital Myopathies VCEP Specifications Version 1; 8/7/2024).

Ambry Genetics
Classification: Likely benign for Inborn genetic diseases. Last evaluated: 2026-07-01. Review status: criteria provided, single submitter. Criteria: Ambry Variant Classification Scheme 2023. Collection method: clinical testing. Allele origin: germline. Not counted in ClinVar's aggregate classification.

Labcorp Genetics (formerly Invitae), Labcorp
Classification: Likely benign for RYR1-related disorder. Last evaluated: 2025-11-16. Review status: criteria provided, single submitter. Criteria: Invitae Variant Classification Sherloc (09022015). Collection method: clinical testing. Allele origin: germline. Not counted in ClinVar's aggregate classification.

CeGaT Center for Human Genetics Tuebingen
Classification: Likely benign. Last evaluated: 2025-08-01. Review status: criteria provided, single submitter. Criteria: CeGaT Center For Human Genetics Tuebingen Variant Classification Criteria Version 2. Collection method: clinical testing. Allele origin: germline. Affected: yes. Observed: 1 variant allele. Not counted in ClinVar's aggregate classification.
Comment: RYR1: BP4, BP7

All of Us Research Program, National Institutes of Health
Classification: Likely benign for Malignant hyperthermia, susceptibility to, 1. Last evaluated: 2024-02-05. Review status: criteria provided, single submitter. Criteria: ACMG Guidelines, 2015. Collection method: clinical testing. Allele origin: germline. Inheritance: Autosomal dominant inheritance. Observed: 31 variant alleles, 31 heterozygotes. Not counted in ClinVar's aggregate classification.
Comment: This study involves interpretation of variants in research participants for the purpose of population health screening. Participant phenotype was not available at the time of variant classification. Additional details can be found in publication PMID: 35346344, PMCID: PMC8962531

Color Diagnostics, LLC DBA Color Health
Classification: Likely benign for Malignant hyperthermia, susceptibility to, 1. Last evaluated: 2022-09-20. Review status: criteria provided, single submitter. Criteria: ACMG Guidelines, 2015. Collection method: clinical testing. Allele origin: germline. Not counted in ClinVar's aggregate classification.

PreventionGenetics, part of Exact Sciences
Classification: Likely benign for RYR1-related condition. Last evaluated: 2020-02-12. Review status: no assertion criteria provided. Collection method: clinical testing. Allele origin: germline. Not counted in ClinVar's aggregate classification.
Comment: This variant is classified as likely benign based on ACMG/AMP sequence variant interpretation guidelines (Richards et al. 2015 PMID: 25741868, with internal and published modifications).